The following is an entry in ClinVar:

NM_000057.4(BLM):c.3798T>G (p.Val1266=)

Gene: BLM (BLM RecQ like helicase; plus strand). Cytogenetic location: 15q26.1.
Variant type: single nucleotide variant.
Coding change: c.3798T>G on transcript NM_000057.4 (MANE Select); coding-DNA position 3798, T replaced by G.
Protein change: p.Val1266=; no amino-acid change (valine 1266 retained).
Molecular consequence: synonymous variant.
Genome position (GRCh38, 1-based): chr15:90,809,183, T>G. VCF-style: chr15-90809183-T-G. GRCh37 (hg19) VCF-style: chr15-91352413-T-G.
Other names: p.V1266V:GTT>GTG; c.3798T>G (LRG_20t1); c.3798T>G, p.Val1266= (NM_001287246.2); c.3405T>G, p.Val1135= (NM_001287247.2); c.2673T>G, p.Val891= (NM_001287248.2).
Identifiers: ClinVar variation 136518 (VCV000136518.67), dbSNP rs138831180, ClinGen allele CA289707.
Genomic context (GRCh38, chr15:90,809,183, plus strand): 5'-ATGCCTTTGCACAGAATCTTTATCTTCTGATCCTGAGGTTTTGCTTCAAATTGATGGTGT[T>G]ACTGAAGACAAACTGGAAAAATATGGTGCGGAAGTGATTTCAGTATTACAGAAATACTCT-3'
Protein context (NP_000048.1, residues 1256-1276): DPEVLLQIDG[Val1266=]TEDKLEKYGA

ClinVar aggregate classification (germline): Conflicting classifications of pathogenicity. Review status: criteria provided, conflicting classifications (1 of 4 stars). 14 submissions from 14 submitters: Uncertain significance (2); Benign (3); Likely benign (8). 1 of the submissions does not count toward it. Last evaluated 2026-02-04.

Conditions:
Hereditary cancer-predisposing syndrome. Also called: Tumor predisposition; Hereditary neoplastic syndrome; Hereditary Cancer Syndrome; Neoplastic Syndromes, Hereditary. Identifiers: Orphanet 140162, MedGen C0027672, MeSH D009386, MONDO:0015356.
Bloom syndrome (BLM). Also called: Bloom-Torre-Machacek syndrome. Identifiers: Orphanet 125, MedGen C0005859, MONDO:0008876, OMIM 210900.

Allele frequency attached by ClinVar (database versions not stated): ESP Exome Variant Server 0.00031; gnomAD 0.00040 and 0.00043; ExAC 0.00044; TOPMed 0.00049; gnomAD exomes 0.00054.
gnomAD v4.1: 536 of 1,614,186 alleles (0.033%); highest among the groups gnomAD compares: Middle Eastern, 0.16%; no homozygotes.

Submissions (16):

Labcorp Genetics (formerly Invitae), Labcorp
Classification: Benign for Bloom syndrome. Last evaluated: 2026-02-04. Review status: criteria provided, single submitter. Criteria: Invitae Variant Classification Sherloc (09022015). Collection method: clinical testing. Allele origin: germline.

Institute for Biomarker Research, Medical Diagnostic Laboratories, L.L.C.
Classification: Likely benign for Hereditary cancer-predisposing syndrome. Last evaluated: 2025-04-10. Review status: criteria provided, single submitter. Criteria: ACMG Guidelines, 2015. Collection method: clinical testing. Allele origin: germline.
Comment: The synonymous variant NM_000057.4(BLM):c.3798T>G (p.Val1266=) has not been reported previously as a pathogenic variant, to our knowledge. The p.Val1266= variant is observed in 35/10,080 (0.3472%) alleles from individuals of gnomAD Ashkenazi Jewish background in gnomAD, which is greater than expected for the disorder. The p.Val1266= variant is not predicted to disrupt an existing splice site. The p.Val1266= variant results in a substitution of a base that is not predicted conserved by GERP++ and PhyloP. For these reasons, this variant has been classified as Likely Benign

CeGaT Center for Human Genetics Tuebingen
Classification: Likely benign. Last evaluated: 2025-04-01. Review status: criteria provided, single submitter. Criteria: CeGaT Center For Human Genetics Tuebingen Variant Classification Criteria Version 2. Collection method: clinical testing. Allele origin: germline. Affected: yes. Observed: 5 variant alleles.
Comment: BLM: BP4, BP7

Blueprint Genetics
Classification: Likely benign. Last evaluated: 2024-09-24. Review status: criteria provided, single submitter. Criteria: ACMG Guidelines, 2015. Collection method: clinical testing. Allele origin: germline.

Quest Diagnostics Nichols Institute San Juan Capistrano
Classification: Benign. Last evaluated: 2023-01-21. Review status: criteria provided, single submitter. Criteria: Quest Diagnostics criteria. Collection method: clinical testing. Allele origin: unknown.

Women's Health and Genetics/Laboratory Corporation of America, LabCorp
Classification: Likely benign. Last evaluated: 2020-09-25. Review status: criteria provided, single submitter. Criteria: LabCorp Variant Classification Summary - May 2015. Collection method: clinical testing. Allele origin: germline.

Sema4
Classification: Likely benign for Hereditary cancer-predisposing syndrome. Last evaluated: 2020-07-21. Review status: criteria provided, single submitter. Criteria: Sema4 Curation Guidelines. Collection method: curation. Allele origin: germline.

Illumina Laboratory Services, Illumina
Classification: Uncertain significance for Bloom syndrome. Last evaluated: 2018-01-12. Review status: criteria provided, single submitter. Criteria: ICSL Variant Classification Criteria 13 December 2019. Collection method: clinical testing. Allele origin: germline.

Ambry Genetics
Classification: Likely benign for Hereditary cancer-predisposing syndrome. Last evaluated: 2016-10-05. Review status: criteria provided, single submitter. Criteria: Ambry Variant Classification Scheme 2023. Collection method: clinical testing. Allele origin: germline.

Genetic Services Laboratory, University of Chicago
Classification: Likely benign. Last evaluated: 2016-08-26. Review status: criteria provided, single submitter. Criteria: ACMG Guidelines, 2015. Collection method: clinical testing. Allele origin: germline. Affected: no.

Eurofins Ntd Llc (ga)
Classification: Uncertain significance. Last evaluated: 2016-03-29. Review status: criteria provided, single submitter. Criteria: EGL Classification Definitions 2015. Collection method: clinical testing. Allele origin: germline. Observed: 2 variant alleles, 2 heterozygotes.

GeneDx
Classification: Benign. Last evaluated: 2014-01-06. Review status: criteria provided, single submitter. Criteria: GeneDx Variant Classification (06012015). Collection method: clinical testing. Allele origin: germline. Affected: yes.
Comment: This variant is considered likely benign or benign based on one or more of the following criteria: it is a conservative change, it occurs at a poorly conserved position in the protein, it is predicted to be benign by multiple in silico algorithms, and/or has population frequency not consistent with disease.

PreventionGenetics, part of Exact Sciences
Classification: Likely benign. Review status: criteria provided, single submitter. Criteria: ACMG Guidelines, 2015. Collection method: clinical testing. Allele origin: germline.

Natera, Inc.
Classification: Likely benign for Bloom syndrome. Last evaluated: 2017-11-15. Review status: no assertion criteria provided. Collection method: clinical testing. Allele origin: germline. Not counted in ClinVar's aggregate classification.

Dr. Peter K. Rogan Lab, Western University
No classification provided (evidence only). Condition: Lung cancer. Review status: no classification provided. Collection method: in vitro. Allele origin: not applicable. Functional consequence: retained intron. Not counted in ClinVar's aggregate classification.

Dr. Peter K. Rogan Lab, Western University
No classification provided (evidence only). Condition: Ovarian serous cystadenocarcinoma. Review status: no classification provided. Collection method: in vitro. Allele origin: not applicable. Functional consequence: retained intron. Not counted in ClinVar's aggregate classification.